The following is an entry in ClinVar:

NM_001369.3(DNAH5):c.2307C>T (p.Ala769=)

Genes: DNAH5-AS1 (DNAH5 antisense RNA 1; plus strand), DNAH5 (dynein axonemal heavy chain 5; minus strand). Cytogenetic location: 5p15.2.
Variant type: single nucleotide variant.
Coding change: c.2307C>T on transcript NM_001369.3 (MANE Select); coding-DNA position 2307, C replaced by T.
Protein change: p.Ala769=; no amino-acid change (alanine 769 retained).
Molecular consequence: synonymous variant.
Genome position (GRCh38, 1-based): chr5:13,894,774, G>A on the plus strand (C>T on the coding strand, the complement: DNAH5 is on the minus strand). VCF-style: chr5-13894774-G-A. GRCh37 (hg19) VCF-style: chr5-13894883-G-A.
Identifiers: ClinVar variation 696005 (VCV000696005.15), dbSNP rs773547505, ClinGen allele CA3204613.

ClinVar aggregate classification (germline): Likely benign. Review status: criteria provided, multiple submitters, no conflicts (2 of 4 stars). 4 submissions from 4 submitters: Likely benign (2). 2 of the submissions do not count toward it. Last evaluated 2025-11-17.

Conditions:
Primary ciliary dyskinesia 3. Identifiers: Orphanet 244, MedGen C1837618, MONDO:0012085, OMIM 608644.
DNAH5-related disorder. Also called: DNAH5-related condition.
Primary ciliary dyskinesia. Also called: Ciliary dyskinesia. Identifiers: Orphanet 244, MedGen C0008780, MONDO:0016575, HP:0012265.

Allele frequency attached by ClinVar (database versions not stated): ExAC 0.00002; gnomAD exomes 0.00002 and 0.00005; TOPMed 0.00006; gnomAD 0.00004 and 0.00005.
gnomAD v4.1: 47 of 1,613,974 alleles (0.0029%); highest among the groups gnomAD compares: Admixed American, 0.048%; no homozygotes.

Submissions (4):

Labcorp Genetics (formerly Invitae), Labcorp
Classification: Likely benign for Primary ciliary dyskinesia. Last evaluated: 2025-11-17. Review status: criteria provided, single submitter. Criteria: Invitae Variant Classification Sherloc (09022015). Collection method: clinical testing. Allele origin: germline.

Fulgent Genetics
Classification: Likely benign for Primary ciliary dyskinesia 3. Last evaluated: 2022-04-25. Review status: criteria provided, single submitter. Criteria: ACMG Guidelines, 2015. Collection method: clinical testing. Allele origin: unknown.

Natera, Inc.
Classification: Likely benign for Primary ciliary dyskinesia. Last evaluated: 2020-05-01. Review status: no assertion criteria provided. Collection method: clinical testing. Allele origin: germline. Not counted in ClinVar's aggregate classification.

PreventionGenetics, part of Exact Sciences
Classification: Likely benign for DNAH5-related condition. Last evaluated: 2019-06-08. Review status: no assertion criteria provided. Collection method: clinical testing. Allele origin: germline. Not counted in ClinVar's aggregate classification.
Comment: This variant is classified as likely benign based on ACMG/AMP sequence variant interpretation guidelines (Richards et al. 2015 PMID: 25741868, with internal and published modifications).